The following is an entry in ClinVar:

ClinVar aggregate classification (germline): Uncertain significance (1 of 4 stars; one submission).

Conditions:
Hyperaldosteronism, familial, type IV (HALD4). Also called: FH IV; ALDOSTERONISM, PRIMARY, AND HYPERTENSION. Identifiers: Orphanet 642671, MedGen C4310756, MONDO:0014875, OMIM 617027.
Idiopathic generalized epilepsy. Also called: EIG; Generalised epilepsy. Identifiers: MedGen C0270850, MONDO:0005579, OMIM 600669.

Submission:

Labcorp Genetics (formerly Invitae), Labcorp
Classification: Uncertain significance for Idiopathic generalized epilepsy; Hyperaldosteronism, familial, type IV. Last evaluated: 2024-02-02. Review status: criteria provided, single submitter. Criteria: Invitae Variant Classification Sherloc (09022015). Collection method: clinical testing. Allele origin: germline.
Comment: This sequence change replaces alanine, which is neutral and non-polar, with serine, which is neutral and polar, at codon 1196 of the CACNA1H protein (p.Ala1196Ser). This variant is not present in population databases (gnomAD no frequency). This variant has not been reported in the literature in individuals affected with CACNA1H-related conditions. Advanced modeling of protein sequence and biophysical properties (such as structural, functional, and spatial information, amino acid conservation, physicochemical variation, residue mobility, and thermodynamic stability) performed at Invitae indicates that this missense variant is not expected to disrupt CACNA1H protein function with a negative predictive value of 80%. In summary, the available evidence is currently insufficient to determine the role of this variant in disease. Therefore, it has been classified as a Variant of Uncertain Significance.

NM_021098.3(CACNA1H):c.3586G>T (p.Ala1196Ser)

Gene: CACNA1H (calcium voltage-gated channel subunit alpha1 H; plus strand). Cytogenetic location: 16p13.3.
Variant type: single nucleotide variant.
Coding change: c.3586G>T on transcript NM_021098.3 (MANE Select); coding-DNA position 3586, G replaced by T.
Protein change: p.Ala1196Ser; replaces alanine 1196 with serine.
Molecular consequence: missense variant.
Genome position (GRCh38, 1-based): chr16:1,209,254, G>T. VCF-style: chr16-1209254-G-T. GRCh37 (hg19) VCF-style: chr16-1259254-G-T.
Other names: c.3586G>T, p.Ala1196Ser (NM_001005407.2); short protein forms A1196S.
Identifiers: ClinVar variation 3754363 (VCV003754363.2).